The following is an entry in ClinVar:

NM_020975.6(RET):c.2647_2648delinsCT (p.Ala883Leu)

Gene: RET (ret proto-oncogene; plus strand). Cytogenetic location: 10q11.21.
Variant type: Indel.
Coding change: c.2647_2648delinsCT on transcript NM_020975.6 (MANE Select); coding-DNA positions 2647 to 2648, GC replaced by CT.
Protein change: p.Ala883Leu; replaces alanine 883 with leucine.
Molecular consequence: missense variant.
Genome position (GRCh38, 1-based): chr10:43,120,120-43,120,121, GC replaced by CT. VCF-style: chr10-43120120-GC-CT. GRCh37 (hg19) VCF-style: chr10-43615568-GC-CT.
Other names: p.Ala883Leu; c.1885_1886delinsCT, p.Ala629Leu (NM_001355216.2); c.2647_2648delinsCT, p.Ala883Leu (NM_001406743.1, NM_001406744.1, NM_001406759.1 and 2 more transcripts); c.2518_2519delinsCT, p.Ala840Leu (NM_001406761.1, NM_001406762.1, NM_001406764.1); c.2512_2513delinsCT, p.Ala838Leu (NM_001406763.1, NM_001406765.1); c.2359_2360delinsCT, p.Ala787Leu (NM_001406766.1, NM_001406767.1, NM_001406770.1); c.2383_2384delinsCT, p.Ala795Leu (NM_001406768.1); c.2251_2252delinsCT, p.Ala751Leu (NM_001406769.1, NM_001406772.1); and 11 more; short protein forms A400L, A448L, A488L, A539L, A541L, A544L, A553L, A584L.
Identifiers: ClinVar variation 3379961 (VCV003379961.1).

ClinVar aggregate classification (germline): Uncertain significance (1 of 4 stars; one submission).

Submission:

Mayo Clinic Laboratories, Mayo Clinic
Classification: Uncertain significance. Last evaluated: 2024-02-28. Review status: criteria provided, single submitter. Criteria: ACMG Guidelines, 2015. Collection method: clinical testing. Allele origin: germline. Observed: 1 variant allele.
Comment: PP4, PM5